The following is an entry in ClinVar:

ClinVar aggregate classification (germline): Uncertain significance (1 of 4 stars; one submission).

Submission:

CeGaT Center for Human Genetics Tuebingen
Classification: Uncertain significance. Last evaluated: 2023-10-01. Review status: criteria provided, single submitter. Criteria: CeGaT Center For Human Genetics Tuebingen Variant Classification Criteria Version 2. Collection method: clinical testing. Allele origin: germline. Affected: yes. Observed: 1 variant allele.
Comment: NLGN3: PM2:Supporting, BP4

NM_181303.2(NLGN3):c.255G>T (p.Leu85=)

Gene: NLGN3 (neuroligin 3; plus strand). Cytogenetic location: Xq13.1.
Variant type: single nucleotide variant.
Coding change: c.255G>T on transcript NM_181303.2 (MANE Select); coding-DNA position 255, G replaced by T.
Protein change: p.Leu85=; no amino-acid change (leucine 85 retained).
Molecular consequence: synonymous variant. On other transcripts: intron variant (1).
Genome position (GRCh38, 1-based): chrX:71,148,004, G>T. VCF-style: chrX-71148004-G-T. GRCh37 (hg19) VCF-style: chrX-70367854-G-T.
Other names: c.255G>T, p.Leu85= (NM_001166660.2, NM_018977.4); c.-38-59G>T (NM_001321276.2).
Identifiers: ClinVar variation 2660854 (VCV002660854.24), dbSNP rs772407319, ClinGen allele CA516729656.
Genomic context (GRCh38, chrX:71,148,004, plus strand): 5'-TGTGGACCAATACCTGGGGGTGCCCTACGCAGCTCCCCCGATCGGCGAGAAACGTTTCCT[G>T]CCCCCTGAACCACCCCCATCCTGGTCGGGCATCCGGAACGCCACACACTTTCCCCCAGTG-3'
Protein context (NP_851820.1, residues 75-95): AAPPIGEKRF[Leu85=]PPEPPPSWSG